The following is an entry in ClinVar:

ClinVar aggregate classification (germline): Uncertain significance (0 of 4 stars; one submission).

Conditions:
FLNA-related disorder.

gnomAD v4.1: 1 of 1,211,440 alleles (0.000083%); no homozygotes.

Submission:

PreventionGenetics, part of Exact Sciences
Classification: Uncertain significance for FLNA-related condition. Last evaluated: 2024-01-24. Review status: no assertion criteria provided. Collection method: clinical testing. Allele origin: germline.
Comment: The FLNA c.4350G>C variant is predicted to result in the amino acid substitution p.Lys1450Asn. To our knowledge, this variant has not been reported in the literature or in a large population database, indicating this variant is rare. At this time, the clinical significance of this variant is uncertain due to the absence of conclusive functional and genetic evidence.

NM_001110556.2(FLNA):c.4350G>C (p.Lys1450Asn)

Gene: FLNA (filamin A; minus strand). Cytogenetic location: Xq28.
Variant type: single nucleotide variant.
Coding change: c.4350G>C on transcript NM_001110556.2 (MANE Select); coding-DNA position 4350, G replaced by C.
Protein change: p.Lys1450Asn; replaces lysine 1450 with asparagine.
Molecular consequence: missense variant.
Genome position (GRCh38, 1-based): chrX:154,359,108, C>G on the plus strand (G>C on the coding strand, the complement: FLNA is on the minus strand). VCF-style: chrX-154359108-C-G. GRCh37 (hg19) VCF-style: chrX-153587476-C-G.
Other names: c.4350G>C, p.Lys1450Asn (NM_001456.4); short protein forms K1450N.
Identifiers: ClinVar variation 3037223 (VCV003037223.2), dbSNP rs2522737459, ClinGen allele CA415217078.
Genomic context (GRCh38, chrX:154,359,108, plus strand): 5'-GGACTGAGGGAGGTTGGCACGAACCATGCCTGGGCTCAGGCCGGGCCCAGAGCACTTGAC[C>G]TTGGACGCATCTGTCACATCATGCACAGGGACCTTGAAAGGACTGCCTGAGGGTTGGGGC-3'
Protein context (NP_001104026.1, residues 1440-1460): VPVHDVTDAS[Lys1450Asn]VKCSGPGLSP